The following is an entry in ClinVar:

NC_012920.1(MT-TK):m.8311T>C

Gene: MT-TK (mitochondrially encoded tRNA lysine; plus strand).
Variant type: single nucleotide variant.
Genome position: chrM-8311-T-C.
Identifiers: ClinVar variation 690067 (VCV000690067.1), dbSNP rs371589230, ClinGen allele CA337097836.
Genomic context (GRCh38, chrMT:8,311, plus strand): 5'-GCCCGTATTTACCCTATAGCACCCCCTCTACCCCCTCTAGAGCCCACTGTAAAGCTAACT[T>C]AGCATTAACCTTTTAAGTTAAAGATTAAGAGAACCAACACCTCTTTACAGTGAAATGCCC-3'

ClinVar aggregate classification (germline): Benign (1 of 4 stars; one submission).

Conditions:
MELAS syndrome (MELAS). Also called: Juvenile myopathy, encephalopathy, lactic acidosis, stroke. Identifiers: Orphanet 550, MedGen C0162671, MONDO:0010789, OMIM 540000.

Submission:

Wong Mito Lab, Molecular and Human Genetics, Baylor College of Medicine
Classification: Benign for MELAS syndrome. Last evaluated: 2019-07-12. Review status: criteria provided, single submitter. Criteria: Modified ACMG Guidelines (Unpublished). Collection method: clinical testing. Allele origin: germline.
Comment: The NC_012920.1:m.8311T>C variant in MT-TK gene is interpreted to be a Benign variant based on the modified ACMG guidelines (unpublished). This variant meets the following evidence codes reported in the guidelines: BS1, BS2, BP4

Literature cited by the submitters: PubMed 31965079.